The following is an entry in ClinVar:

NM_152743.4(BRAT1):c.1847T>C (p.Phe616Ser)

Gene: BRAT1 (BRCA1 associated ATM activator 1; minus strand). Cytogenetic location: 7p22.3.
Variant type: single nucleotide variant.
Coding change: c.1847T>C on transcript NM_152743.4 (MANE Select); coding-DNA position 1847, T replaced by C.
Protein change: p.Phe616Ser; replaces phenylalanine 616 with serine.
Molecular consequence: missense variant. On other transcripts: non-coding transcript variant (1).
Genome position (GRCh38, 1-based): chr7:2,538,688, A>G on the plus strand (T>C on the coding strand, the complement: BRAT1 is on the minus strand). VCF-style: chr7-2538688-A-G. GRCh37 (hg19) VCF-style: chr7-2578322-A-G.
Other names: c.2027T>C, p.Phe676Ser (NM_001350626.2); c.1322T>C, p.Phe441Ser (NM_001350627.2); short protein forms F441S, F616S, F676S.
Identifiers: ClinVar variation 1441745 (VCV001441745.6), dbSNP rs1445054315, ClinGen allele CA366625491.

ClinVar aggregate classification (germline): Uncertain significance (1 of 4 stars; one submission).

Conditions:
Neonatal-onset encephalopathy with rigidity and seizures. Also called: Lethal neonatal spasticity-epileptic encephalopathy syndrome. Identifiers: Orphanet 435845, MedGen C3281029, MONDO:0013784, OMIM 614498.

Allele frequency attached by ClinVar (database versions not stated): gnomAD 0.00001.

Submission:

Labcorp Genetics (formerly Invitae), Labcorp
Classification: Uncertain significance for Neonatal-onset encephalopathy with rigidity and seizures. Last evaluated: 2024-07-01. Review status: criteria provided, single submitter. Criteria: Invitae Variant Classification Sherloc (09022015). Collection method: clinical testing. Allele origin: germline.
Comment: This sequence change replaces phenylalanine, which is neutral and non-polar, with serine, which is neutral and polar, at codon 616 of the BRAT1 protein (p.Phe616Ser). The frequency data for this variant in the population databases is considered unreliable, as metrics indicate poor data quality at this position in the gnomAD database. This variant has not been reported in the literature in individuals affected with BRAT1-related conditions. ClinVar contains an entry for this variant (Variation ID: 1441745). Advanced modeling of protein sequence and biophysical properties (such as structural, functional, and spatial information, amino acid conservation, physicochemical variation, residue mobility, and thermodynamic stability) performed at Invitae indicates that this missense variant is expected to disrupt BRAT1 protein function with a positive predictive value of 80%. In summary, the available evidence is currently insufficient to determine the role of this variant in disease. Therefore, it has been classified as a Variant of Uncertain Significance.